The following is an entry in ClinVar:

NM_001330691.3(CEP78):c.1921G>A (p.Gly641Ser)

Gene: CEP78 (centrosomal protein 78; plus strand). Cytogenetic location: 9q21.2.
Variant type: single nucleotide variant.
Coding change: c.1921G>A on transcript NM_001330691.3 (MANE Select); coding-DNA position 1921, G replaced by A.
Protein change: p.Gly641Ser; replaces glycine 641 with serine.
Molecular consequence: missense variant.
Genome position (GRCh38, 1-based): chr9:78,266,517, G>A. VCF-style: chr9-78266517-G-A. GRCh37 (hg19) VCF-style: chr9-80881433-G-A.
Other names: c.1873G>A, p.Gly625Ser (NM_001330693.3, NM_001330694.2); c.1921G>A, p.Gly641Ser (NM_001349838.2); c.1924G>A, p.Gly642Ser (NM_001349839.2, NM_001098802.3); c.1876G>A, p.Gly626Ser (NM_001349840.2, NM_032171.3); c.1924G>A (NM_001098802.1); short protein forms G641S, G642S, G625S, G626S.
Identifiers: ClinVar variation 1423072 (VCV001423072.6), dbSNP rs746668466, ClinGen allele CA5095387.

ClinVar aggregate classification (germline): Uncertain significance. Review status: criteria provided, multiple submitters, no conflicts (2 of 4 stars). 2 submissions from 2 submitters: Uncertain significance (2). Last evaluated 2024-11-07.

Conditions:
Inborn genetic diseases. Identifiers: MedGen C0950123, MeSH D030342.

Allele frequency attached by ClinVar (database versions not stated): gnomAD 0.00001; gnomAD exomes 0.00001 and 0.00002; ExAC 0.00002; TOPMed 0.00003.
gnomAD v4.1: 11 of 1,613,664 alleles (0.00068%); highest among the groups gnomAD compares: Middle Eastern, 0.016%; no homozygotes.

Submissions (2):

Ambry Genetics
Classification: Uncertain significance for Inborn genetic diseases. Last evaluated: 2024-11-07. Review status: criteria provided, single submitter. Criteria: Ambry Variant Classification Scheme 2023. Collection method: clinical testing. Allele origin: germline.

Labcorp Genetics (formerly Invitae), Labcorp
Classification: Uncertain significance. Last evaluated: 2022-04-10. Review status: criteria provided, single submitter. Criteria: Invitae Variant Classification Sherloc (09022015). Collection method: clinical testing. Allele origin: germline.
Comment: This sequence change replaces glycine, which is neutral and non-polar, with serine, which is neutral and polar, at codon 642 of the CEP78 protein (p.Gly642Ser). This variant is present in population databases (rs746668466, gnomAD 0.003%). This variant has not been reported in the literature in individuals affected with CEP78-related conditions. Algorithms developed to predict the effect of missense changes on protein structure and function (SIFT, PolyPhen-2, Align-GVGD) all suggest that this variant is likely to be tolerated. In summary, the available evidence is currently insufficient to determine the role of this variant in disease. Therefore, it has been classified as a Variant of Uncertain Significance.